The following is an entry in ClinVar:

ClinVar aggregate classification (germline): Pathogenic (1 of 4 stars; one submission).

Conditions:
Ataxia-telangiectasia syndrome (AT). Also called: ATAXIA-TELANGIECTASIA, COMPLEMENTATION GROUP A; ATAXIA-TELANGIECTASIA, FRESNO VARIANT; Ataxia-telangiectasia; LOUIS-BAR SYNDROME; Cerebello-oculocutaneous telangiectasia; Immunodeficiency with ataxia telangiectasia. Identifiers: Orphanet 100, MedGen C0004135, MONDO:0008840, OMIM 208900.

Submission:

Labcorp Genetics (formerly Invitae), Labcorp
Classification: Pathogenic for Ataxia-telangiectasia syndrome. Last evaluated: 2025-04-25. Review status: criteria provided, single submitter. Criteria: Invitae Variant Classification Sherloc (09022015). Collection method: clinical testing. Allele origin: germline.
Comment: This sequence change inserts a large fragment of DNA, likely a transposable element, in exon 5 of the ATM gene (c.362_363ins?), causing a frameshift at codon 121 (p.Leu121fs). The exact size and sequence of the insertion cannot be determined by the current assay. However, the insertion is expected to result in an absent or disrupted protein product. This variant is not present in population databases (gnomAD no frequency). This variant has not been reported in the literature in individuals affected with ATM-related conditions. Retrotransposon insertions including LINE1 (L1), Alu, and SVA (SINE-VNTR-Alu) have been reported to be disease-causing through disruption of either a coding region or splice site (PMID: 19763152, 20307669, 22406018) and loss-of-function variants in ATM are known to be pathogenic (PMID: 23807571, 25614872). For these reasons, this variant has been classified as Pathogenic.

Literature cited by the submitters: PubMed 19763152; PubMed 20307669; PubMed 22406018; PubMed 23807571; PubMed 25614872.

NM_000051.4(ATM):c.362_363insTTTTTTTTTTTTTTTTTTTTNNNNNNNNNNGACCTCGTGATCCGCCCGCCTCGGCCTCCCAAAGTGCTGGGATTACAGGCGTGAGCCACCGCGCCCGGCCAAATGTCAAGAACTCTT (p.Leu121delinsPhePhePhePhePhePhePheXaaXaaXaaXaaThrSerTer)

Gene: ATM (ATM serine/threonine kinase; plus strand). Cytogenetic location: 11q22.3.
Variant type: Insertion.
Coding change: c.362_363insTTTTTTTTTTTTTTTTTTTTNNNNNNNNNNGACCTCGTGATCCGCCCGCCTCGGCCTCCCAAAGTGCTGGGATTACAGGCGTGAGCCACCGCGCCCGGCCAAATGTCAAGAACTCTT on transcript NM_000051.4 (MANE Select); coding-DNA positions 362 to 363, TTTTTTTTTTTTTTTTTTTTNNNNNNNNNNGACCTCGTGATCCGCCCGCCTCGGCCTCCCAAAGTGCTGGGATTACAGGCGTGAGCCACCGCGCCCGGCCAAATGTCAAGAACTCTT inserted.
Protein change: p.Leu121delinsPhePhePhePhePhePhePheXaaXaaXaaXaaThrSerTer.
Molecular consequence: nonsense.
Genome position: GRCh38: chr11:108,235,700-108,235,701. GRCh37 (hg19): chr11:108,106,427-108,106,428.
Other names: c.362_363insTTTTTTTTTTTTTTTTTTTTNNNNNNNNNNGACCTCGTGATCCGCCCGCCTCGGCCTCCCAAAGTGCTGGGATTACAGGCGTGAGCCACCGCGCCCGGCCAAATGTCAAGAACTCTT, p.Leu121delinsPhePhePhePhePhePhePheXaaXaaXaaXaaThrSerTer (NM_001351834.2).
Identifiers: ClinVar variation 4718331 (VCV004718331.1).